The following is an entry in ClinVar:

ClinVar aggregate classification (germline): Likely benign (0 of 4 stars; one submission).

Conditions:
FMN2-related disorder. Also called: FMN2-related condition.

Allele frequency attached by ClinVar (database versions not stated): gnomAD exomes below 0.00001.
gnomAD v4.1: 2 of 948,536 alleles (0.00021%); highest among the groups gnomAD compares: Admixed American, 0.0043%; no homozygotes.

Submission:

PreventionGenetics, part of Exact Sciences
Classification: Likely benign for FMN2-related condition. Last evaluated: 2019-10-03. Review status: no assertion criteria provided. Collection method: clinical testing. Allele origin: germline.
Comment: This variant is classified as likely benign based on ACMG/AMP sequence variant interpretation guidelines (Richards et al. 2015 PMID: 25741868, with internal and published modifications).

NM_020066.5(FMN2):c.3291C>G (p.Pro1097=)

Gene: FMN2 (formin 2; plus strand). Cytogenetic location: 1q43.
Variant type: single nucleotide variant.
Coding change: c.3291C>G on transcript NM_020066.5 (MANE Select); coding-DNA position 3291, C replaced by G.
Protein change: p.Pro1097=; no amino-acid change (proline 1097 retained).
Molecular consequence: synonymous variant. On other transcripts: intron variant (1).
Genome position (GRCh38, 1-based): chr1:240,208,103, C>G. VCF-style: chr1-240208103-C-G. GRCh37 (hg19) VCF-style: chr1-240371403-C-G.
Other names: c.3303C>G, p.Pro1101= (NM_001305424.2); c.1986+19841C>G (NM_001348094.2).
Identifiers: ClinVar variation 3040702 (VCV003040702.2), dbSNP rs1254480460, ClinGen allele CA424385630.